The following is an entry in ClinVar:

ClinVar aggregate classification (germline): Conflicting classifications of pathogenicity. Review status: criteria provided, conflicting classifications (1 of 4 stars). 4 submissions from 4 submitters: Uncertain significance (1); Likely benign (3). Last evaluated 2026-01-24.

Conditions:
McKusick-Kaufman syndrome (MKKS). Also called: HYDROMETROCOLPOS SYNDROME; HYDROMETROCOLPOS, POSTAXIAL POLYDACTYLY, AND CONGENITAL HEART MALFORMATION. Identifiers: Orphanet 2473, MedGen C0948368, MONDO:0009367, OMIM 236700.
Bardet-Biedl syndrome 6 (BBS6). Identifiers: Orphanet 110, MedGen C1858054, MONDO:0011523, OMIM 605231.
Bardet-Biedl syndrome (BBS). Identifiers: Orphanet 110, MedGen C0752166, MONDO:0015229.

Allele frequency attached by ClinVar (database versions not stated): gnomAD exomes 0.00006 and 0.00014; 1000 Genomes Project 30x 0.00016; ExAC 0.00019; 1000 Genomes Project 0.00020; TOPMed 0.00067; gnomAD 0.00070 and 0.00074; ESP Exome Variant Server 0.00077.
gnomAD v4.1: 200 of 1,614,214 alleles (0.012%); highest among the groups gnomAD compares: African/African-American, 0.25%; no homozygotes.

Submissions (4):

Labcorp Genetics (formerly Invitae), Labcorp
Classification: Likely benign for McKusick-Kaufman syndrome; Bardet-Biedl syndrome. Last evaluated: 2026-01-24. Review status: criteria provided, single submitter. Criteria: Invitae Variant Classification Sherloc (09022015). Collection method: clinical testing. Allele origin: germline.

Blueprint Genetics
Classification: Likely benign. Last evaluated: 2024-01-16. Review status: criteria provided, single submitter. Criteria: ACMG Guidelines, 2015. Collection method: clinical testing. Allele origin: germline.

GeneDx
Classification: Uncertain significance. Last evaluated: 2023-05-04. Review status: criteria provided, single submitter. Criteria: GeneDx Variant Classification Process June 2021. Collection method: clinical testing. Allele origin: germline. Affected: yes.
Comment: In silico analysis supports that this variant does not alter splicing; Has not been previously published as pathogenic or benign to our knowledge

Fulgent Genetics
Classification: Likely benign for McKusick-Kaufman syndrome; Bardet-Biedl syndrome 6. Last evaluated: 2021-12-14. Review status: criteria provided, single submitter. Criteria: ACMG Guidelines, 2015. Collection method: clinical testing. Allele origin: unknown.

NM_170784.3(MKKS):c.15A>G (p.Glu5=)

Gene: MKKS (MKKS centrosomal shuttling protein; minus strand). Cytogenetic location: 20p12.2.
Variant type: single nucleotide variant.
Coding change: c.15A>G on transcript NM_170784.3 (MANE Select); coding-DNA position 15, A replaced by G.
Protein change: p.Glu5=; no amino-acid change (glutamic acid 5 retained).
Molecular consequence: synonymous variant.
Genome position (GRCh38, 1-based): chr20:10,413,500, T>C on the plus strand (A>G on the coding strand, the complement: MKKS is on the minus strand). VCF-style: chr20-10413500-T-C. GRCh37 (hg19) VCF-style: chr20-10394148-T-C.
Other names: c.15A>G, p.Glu5= (NM_018848.3).
Identifiers: ClinVar variation 695968 (VCV000695968.13), dbSNP rs145396188, ClinGen allele CA9763762.